The following is an entry in ClinVar:

ClinVar aggregate classification (germline): Uncertain significance (1 of 4 stars; one submission).

Allele frequency attached by ClinVar (database versions not stated): TOPMed below 0.00001; gnomAD 0.00001.
gnomAD v4.1: 1 of 1,614,030 alleles (0.000062%); highest among the groups gnomAD compares: Non-Finnish European, 0.000085%; no homozygotes.

Submission:

CeGaT Center for Human Genetics Tuebingen
Classification: Uncertain significance. Last evaluated: 2022-07-01. Review status: criteria provided, single submitter. Criteria: CeGaT Center For Human Genetics Tuebingen Variant Classification Criteria Version 2. Collection method: clinical testing. Allele origin: germline. Affected: yes. Observed: 1 variant allele.
Comment: SPEN: PM2, BP4

NM_015001.3(SPEN):c.6838G>C (p.Glu2280Gln)

Gene: SPEN (spen family transcriptional repressor; plus strand). Cytogenetic location: 1p36.13.
Variant type: single nucleotide variant.
Coding change: c.6838G>C on transcript NM_015001.3 (MANE Select); coding-DNA position 6838, G replaced by C.
Protein change: p.Glu2280Gln; replaces glutamic acid 2280 with glutamine.
Molecular consequence: missense variant.
Genome position (GRCh38, 1-based): chr1:15,933,078, G>C. VCF-style: chr1-15933078-G-C. GRCh37 (hg19) VCF-style: chr1-16259573-G-C.
Other names: short protein forms E2280Q.
Identifiers: ClinVar variation 2638331 (VCV002638331.24), dbSNP rs1461527382, ClinGen allele CA338637888.